The following is an entry in ClinVar:

NM_002772.3(TMPRSS15):c.2668+2T>C

Gene: TMPRSS15 (transmembrane serine protease 15; minus strand). Cytogenetic location: 21q21.1.
Variant type: single nucleotide variant.
Coding change: c.2668+2T>C on transcript NM_002772.3 (MANE Select); the canonical splice donor site of the intron after coding-DNA position 2668, T replaced by C.
Molecular consequence: splice donor variant.
Genome position (GRCh38, 1-based): chr21:18,281,038, A>G on the plus strand (T>C on the coding strand, the complement: TMPRSS15 is on the minus strand). VCF-style: chr21-18281038-A-G. GRCh37 (hg19) VCF-style: chr21-19653355-A-G.
Other names: c.2668+2T>C (NM_001428057.1); c.2803+2T>C (NM_001428056.1).
Identifiers: ClinVar variation 3687853 (VCV003687853.2).

ClinVar aggregate classification (germline): Likely pathogenic (1 of 4 stars; one submission).

gnomAD v4.1: 3 of 1,603,386 alleles (0.00019%); highest among the groups gnomAD compares: Non-Finnish European, 0.00025%; no homozygotes.

Submission:

Labcorp Genetics (formerly Invitae), Labcorp
Classification: Likely pathogenic. Last evaluated: 2024-08-17. Review status: criteria provided, single submitter. Criteria: Invitae Variant Classification Sherloc (09022015). Collection method: clinical testing. Allele origin: germline.
Comment: This sequence change affects a donor splice site in intron 22 of the TMPRSS15 gene. It is expected to disrupt RNA splicing. Variants that disrupt the donor or acceptor splice site typically lead to a loss of protein function (PMID: 16199547), and loss-of-function variants in TMPRSS15 are known to be pathogenic (PMID: 11719902). This variant is not present in population databases (gnomAD no frequency). This variant has not been reported in the literature in individuals affected with TMPRSS15-related conditions. Algorithms developed to predict the effect of sequence changes on RNA splicing suggest that this variant may disrupt the consensus splice site. In summary, the currently available evidence indicates that the variant is pathogenic, but additional data are needed to prove that conclusively. Therefore, this variant has been classified as Likely Pathogenic.

Literature cited by the submitters: PubMed 16199547; PubMed 11719902.